The following is an entry in ClinVar:

GRCh38/hg38 22q11.23(chr22:23310331-24645625)x3

Genes: ADORA2A (adenosine A2a receptor; plus strand), ADORA2A-AS1 (ADORA2A antisense RNA 1; minus strand), BCR (BCR activator of RhoGEF and GTPase; plus strand), C22orf15 (chromosome 22 open reading frame 15; plus strand), CABIN1 (calcineurin binding protein 1; plus strand) and 78 more. Cytogenetic location: 22q11.23.
Variant type: copy number gain.
Change: copy number 3 (three copies instead of two) of chr22:23,310,331-24,645,625 (1.34 Mb, GRCh38 coordinates, 1-based), cytogenetic band 22q11.23.
Identifiers: ClinVar variation 4796087 (VCV004796087.1).

ClinVar aggregate classification (germline): Uncertain significance (1 of 4 stars; one submission).

Submission:

Medical Genetic Center, Changzhi Maternal and Child Health Care Hospital
Classification: Uncertain significance. Last evaluated: 2025-12-10. Review status: criteria provided, single submitter. Criteria: ACMG/ClinGen CNV Guidelines, 2019. Collection method: clinical testing. Allele origin: unknown.
Comment: 22q11.2 recurrent region (distal type III, E/F-H) (includes SMARCB1) (TS Score = 1)